The following is an entry in ClinVar:

NM_004766.3(COPB2):c.2663A>C (p.Glu888Ala)

Gene: COPB2 (COPI coat complex subunit beta 2; minus strand). Cytogenetic location: 3q23.
Variant type: single nucleotide variant.
Coding change: c.2663A>C on transcript NM_004766.3 (MANE Select); coding-DNA position 2663, A replaced by C.
Protein change: p.Glu888Ala; replaces glutamic acid 888 with alanine.
Molecular consequence: missense variant. On other transcripts: non-coding transcript variant (1).
Genome position (GRCh38, 1-based): chr3:139,357,921, T>G on the plus strand (A>C on the coding strand, the complement: COPB2 is on the minus strand). VCF-style: chr3-139357921-T-G. GRCh37 (hg19) VCF-style: chr3-139076763-T-G.
Other names: c.2576A>C, p.Glu859Ala (NM_001410834.1); short protein forms E859A, E888A.
Identifiers: ClinVar variation 3369410 (VCV003369410.1).

ClinVar aggregate classification (germline): Uncertain significance (1 of 4 stars; one submission).

Submission:

GeneDx
Classification: Uncertain significance. Last evaluated: 2024-02-16. Review status: criteria provided, single submitter. Criteria: GeneDx Variant Classification Process June 2021. Collection method: clinical testing. Allele origin: germline. Affected: yes.
Comment: Not observed at significant frequency in large population cohorts (gnomAD); In silico analysis supports that this missense variant has a deleterious effect on protein structure/function; Has not been previously published as pathogenic or benign to our knowledge